The following is an entry in ClinVar:

NM_017612.5(ZCCHC8):c.1964A>G (p.Lys655Arg)

Gene: ZCCHC8 (zinc finger CCHC-type containing 8; minus strand). Cytogenetic location: 12q24.31.
Variant type: single nucleotide variant.
Coding change: c.1964A>G on transcript NM_017612.5 (MANE Select); coding-DNA position 1964, A replaced by G.
Protein change: p.Lys655Arg; replaces lysine 655 with arginine.
Molecular consequence: missense variant.
Genome position (GRCh38, 1-based): chr12:122,473,657, T>C on the plus strand (A>G on the coding strand, the complement: ZCCHC8 is on the minus strand). VCF-style: chr12-122473657-T-C. GRCh37 (hg19) VCF-style: chr12-122958204-T-C.
Other names: c.1733A>G, p.Lys578Arg (NM_001350935.2); c.1667A>G, p.Lys556Arg (NM_001350936.2); c.1250A>G, p.Lys417Arg (NM_001350937.2, NM_001350938.2); short protein forms K655R, K556R, K417R, K578R.
Identifiers: ClinVar variation 2170105 (VCV002170105.4), dbSNP rs370019301, ClinGen allele CA6846061.

ClinVar aggregate classification (germline): Uncertain significance (1 of 4 stars; one submission).

Allele frequency attached by ClinVar (database versions not stated): gnomAD 0.00003; gnomAD exomes 0.00003; TOPMed 0.00003; ExAC 0.00005; ESP Exome Variant Server 0.00017.
gnomAD v4.1: 45 of 1,613,902 alleles (0.0028%); highest among the groups gnomAD compares: Middle Eastern, 0.082%; no homozygotes.

Submission:

Labcorp Genetics (formerly Invitae), Labcorp
Classification: Uncertain significance. Last evaluated: 2025-12-09. Review status: criteria provided, single submitter. Criteria: Invitae Variant Classification Sherloc (09022015). Collection method: clinical testing. Allele origin: germline.
Comment: This sequence change replaces lysine, which is basic and polar, with arginine, which is basic and polar, at codon 655 of the ZCCHC8 protein (p.Lys655Arg). This variant is present in population databases (rs370019301, gnomAD 0.006%). This variant has not been reported in the literature in individuals affected with ZCCHC8-related conditions. ClinVar contains an entry for this variant (Variation ID: 2170105). Invitae Evidence Modeling of protein sequence and biophysical properties (such as structural, functional, and spatial information, amino acid conservation, physicochemical variation, residue mobility, and thermodynamic stability) indicates that this missense variant is not expected to disrupt ZCCHC8 protein function with a negative predictive value of 80%. In summary, the available evidence is currently insufficient to determine the role of this variant in disease. Therefore, it has been classified as a Variant of Uncertain Significance.